The following is an entry in ClinVar:

ClinVar aggregate classification (germline): Pathogenic/Likely pathogenic. Review status: criteria provided, multiple submitters, no conflicts (2 of 4 stars). 5 submissions from 5 submitters: Pathogenic (1); Likely pathogenic (4). Last evaluated 2026-01-18.

Conditions:
Isovaleryl-CoA dehydrogenase deficiency (IVA). Also called: Isovaleric acidemia; IVD DEFICIENCY; ISOVALERIC ACID CoA DEHYDROGENASE DEFICIENCY; Classic Isovaleric Acidemia. Identifiers: Orphanet 33, MedGen C0268575, MONDO:0009475, OMIM 243500.

Allele frequency attached by ClinVar (database versions not stated): ExAC 0.00001; gnomAD 0.00001; gnomAD exomes 0.00001; TOPMed 0.00001.

Submissions (5):

Labcorp Genetics (formerly Invitae), Labcorp
Classification: Pathogenic for Isovaleryl-CoA dehydrogenase deficiency. Last evaluated: 2026-01-18. Review status: criteria provided, single submitter. Criteria: Invitae Variant Classification Sherloc (09022015). Collection method: clinical testing. Allele origin: germline.
Comment: This sequence change replaces valine, which is neutral and non-polar, with alanine, which is neutral and non-polar, at codon 374 of the IVD protein (p.Val374Ala). This variant is present in population databases (rs754600862, gnomAD 0.002%). This missense change has been observed in individual(s) with isovaleric acidemia (PMID: 9665741; internal data). In at least one individual the data is consistent with being in trans (on the opposite chromosome) from a pathogenic variant. ClinVar contains an entry for this variant (Variation ID: 645855). An algorithm developed to predict the effect of missense changes on protein structure and function (PolyPhen-2) suggests that this variant is likely to be disruptive. Experimental studies have shown that this missense change affects IVD function (PMID: 9665741). For these reasons, this variant has been classified as Pathogenic.

Variantyx, Inc.
Classification: Likely pathogenic for Isovaleryl-CoA dehydrogenase deficiency. Last evaluated: 2025-10-15. Review status: criteria provided, single submitter. Criteria: Variantyx Assertion Criteria 2022. Collection method: clinical testing. Allele origin: germline. Inheritance: Autosomal recessive inheritance. Affected: yes.
Comment: This is a nonsynonymous variant in the IVD gene (OMIM: 607036). Pathogenic variants in this gene have been associated with autosomal recessive isovaleric acidemia. The clinical symptoms reported for this individual are highly specific for autosomal recessive isovaleric acidemia, which has a limited genetic etiology (PMID: 38484105) (PP4). This variant has been identified in the homozygous or compound heterozygous state in at least one individuals reported in the published literature (PMID: 9665741)(PM3). Functional studies have shown that this variant alters IVD protein function (PMID: 9665741) (PS3) and multiple computational algorithms predict a deleterious effect for this variant (REVEL score: 0.803) (PP3). This variant has a 0.0008% maximum allele frequency in non-founder control populations (PM2). Based on the current evidence, this variant is classified as likely pathogenic for autosomal recessive isovaleric acidemia.

Natera, Inc.
Classification: Likely pathogenic for Isovaleryl-coa dehydrogenase deficiency. Last evaluated: 2025-08-08. Review status: criteria provided, single submitter. Criteria: Natera Variant Classification Schema (03/2026). Collection method: clinical testing. Allele origin: germline.
Comment: The c.1121T>C variant in IVD is a missense variant predicted to cause substitution of valine to alanine at amino acid 374. This variant is rare in the general population with a frequency below the threshold expected for the associated phenotype(s). This variant has been observed in one or more individuals affected with the associated recessive disease, as either homozygous or compound heterozygous with a second variant (PMID: 9665741). Functional studies show that this variant may disrupt protein function (PMID: 9665741). Computational prediction algorithms indicate this variant is likely to affect gene or protein function. Given the available evidence, this variant is classified as Likely Pathogenic.

Women's Health and Genetics/Laboratory Corporation of America, LabCorp
Classification: Likely pathogenic for Isovaleryl-CoA dehydrogenase deficiency. Last evaluated: 2024-08-23. Review status: criteria provided, single submitter. Criteria: LabCorp Variant Classification Summary - May 2015. Collection method: clinical testing. Allele origin: germline.
Comment: Variant summary: IVD c.1112T>C (p.Val371Ala) results in a non-conservative amino acid change in the encoded protein sequence. Three of five in-silico tools predict a damaging effect of the variant on protein function. The variant allele was found at a frequency of 8e-06 in 251462 control chromosomes. c.1112T>C has been reported in the literature in at least one individual affected with Isovaleryl-CoA Dehydrogenase Deficiency (e.g. Mohsen_1998). At least one publication reports experimental evidence evaluating an impact on protein function. The most pronounced variant effect results in 5%-15% of normal activity in vitro (Mohsen_1998). The following publication has been ascertained in the context of this evaluation (PMID: 9665741). ClinVar contains an entry for this variant (Variation ID: 645855). Based on the evidence outlined above, the variant was classified as likely pathogenic.

Baylor Genetics
Classification: Likely pathogenic for Isovaleryl-CoA dehydrogenase deficiency. Last evaluated: 2024-02-19. Review status: criteria provided, single submitter. Criteria: ACMG Guidelines, 2015. Collection method: clinical testing. Allele origin: unknown.

Literature cited by the submitters: PubMed 9665741 (cited by 4 submitters); PubMed 38484105 (cited by Variantyx, Inc.).

NM_002225.5(IVD):c.1112T>C (p.Val371Ala)

Gene: IVD (isovaleryl-CoA dehydrogenase; plus strand). Cytogenetic location: 15q15.1.
Variant type: single nucleotide variant.
Coding change: c.1112T>C on transcript NM_002225.5 (MANE Select); coding-DNA position 1112, T replaced by C.
Protein change: p.Val371Ala; replaces valine 371 with alanine.
Molecular consequence: missense variant. On other transcripts: non-coding transcript variant (1).
Genome position (GRCh38, 1-based): chr15:40,416,336, T>C. VCF-style: chr15-40416336-T-C. GRCh37 (hg19) VCF-style: chr15-40708535-T-C.
Other names: c.1022T>C, p.Val341Ala (NM_001159508.3); c.1064T>C, p.Val355Ala (NM_001354597.3); c.1112T>C, p.Val371Ala (NM_001354598.3, NM_001354601.3); c.1199T>C, p.Val400Ala (NM_001354599.3, NM_001354600.3); short protein forms V371A, V355A, V341A, V400A.
Identifiers: ClinVar variation 645855 (VCV000645855.10), dbSNP rs754600862, ClinGen allele CA7480887.
Genomic context (GRCh38, chr15:40,416,336, plus strand): 5'-GCTTCCTCCCGTAGGACTGTGCAGGTGTGATTCTTTACTCAGCTGAGTGTGCCACACAGG[T>C]AGCCCTGGACGGCATTCAGTGTTTTGGTGAGTGATCCCCACTTCCCAGTCCCGGGGCTCC-3'
Protein context (NP_002216.3, residues 361-381): ILYSAECATQ[Val371Ala]ALDGIQCFGG